The following is an entry in ClinVar:

NM_032520.5(GNPTG):c.613C>T (p.His205Tyr)

Gene: GNPTG (N-acetylglucosamine-1-phosphate transferase subunit gamma; plus strand). Cytogenetic location: 16p13.3.
Variant type: single nucleotide variant.
Coding change: c.613C>T on transcript NM_032520.5 (MANE Select); coding-DNA position 613, C replaced by T.
Protein change: p.His205Tyr; replaces histidine 205 with tyrosine.
Molecular consequence: missense variant.
Genome position (GRCh38, 1-based): chr16:1,362,614, C>T. VCF-style: chr16-1362614-C-T. GRCh37 (hg19) VCF-style: chr16-1412615-C-T.
Other names: short protein forms H205Y.
Identifiers: ClinVar variation 1945541 (VCV001945541.5), dbSNP rs2548190610, ClinGen allele CA394188383.
Genomic context (GRCh38, chr16:1,362,614, plus strand): 5'-GGCCCCTGGTGGGCCTGGCTGGGAGCTGGGTGCTGCCCCTGCATCCTCCACCTTCAGGGC[C>T]ATGAGAAGTTGCTGAGGACACTTTTTGAGGATGCTGGCTACTTAAAGACCCCAGAAGAAA-3'
Protein context (NP_115909.1, residues 195-215): LADELITPQG[His205Tyr]EKLLRTLFED

ClinVar aggregate classification (germline): Uncertain significance (1 of 4 stars; one submission).

Allele frequency attached by ClinVar (database versions not stated): gnomAD exomes below 0.00001.
gnomAD v4.1: 3 of 1,614,192 alleles (0.00019%); highest among the groups gnomAD compares: Non-Finnish European, 0.00025%; no homozygotes.

Submission:

Labcorp Genetics (formerly Invitae), Labcorp
Classification: Uncertain significance. Last evaluated: 2022-08-09. Review status: criteria provided, single submitter. Criteria: Invitae Variant Classification Sherloc (09022015). Collection method: clinical testing. Allele origin: germline.
Comment: This variant is not present in population databases (gnomAD no frequency). In summary, the available evidence is currently insufficient to determine the role of this variant in disease. Therefore, it has been classified as a Variant of Uncertain Significance. This variant has not been reported in the literature in individuals affected with GNPTG-related conditions. Algorithms developed to predict the effect of missense changes on protein structure and function output the following: SIFT: "Tolerated"; PolyPhen-2: "Benign"; Align-GVGD: "Class C0". The tyrosine amino acid residue is found in multiple mammalian species, which suggests that this missense change does not adversely affect protein function. This sequence change replaces histidine, which is basic and polar, with tyrosine, which is neutral and polar, at codon 205 of the GNPTG protein (p.His205Tyr).